The following is an entry in ClinVar:

ClinVar aggregate classification (germline): Uncertain significance (1 of 4 stars; one submission).

Conditions:
Hereditary pancreatitis (PCTT). Also called: Hereditary chronic pancreatitis; PRSS1-Related Hereditary Pancreatitis. Identifiers: Orphanet 676, MedGen C0238339, MONDO:0008185, OMIM 167800.

Allele frequency attached by ClinVar (database versions not stated): TOPMed below 0.00001.

Submission:

Ambry Genetics
Classification: Uncertain significance for Hereditary pancreatitis. Last evaluated: 2023-04-03. Review status: criteria provided, single submitter. Criteria: Ambry Variant Classification Scheme 2023. Collection method: clinical testing. Allele origin: germline.
Comment: The p.C79Y variant (also known as c.236G>A), located in coding exon 4 of the SPINK1 gene, results from a G to A substitution at nucleotide position 236. The cysteine at codon 79 is replaced by tyrosine, an amino acid with highly dissimilar properties. This amino acid position is conserved. In addition, this alteration is predicted to be deleterious by in silico analysis. Since supporting evidence is limited at this time, the clinical significance of this alteration remains unclear.

NM_001379610.1(SPINK1):c.236G>A (p.Cys79Tyr)

Gene: SPINK1 (serine peptidase inhibitor Kazal type 1; minus strand). Cytogenetic location: 5q32.
Variant type: single nucleotide variant.
Coding change: c.236G>A on transcript NM_001379610.1 (MANE Select); coding-DNA position 236, G replaced by A.
Protein change: p.Cys79Tyr; replaces cysteine 79 with tyrosine.
Molecular consequence: missense variant.
Genome position (GRCh38, 1-based): chr5:147,824,665, C>T on the plus strand (G>A on the coding strand, the complement: SPINK1 is on the minus strand). VCF-style: chr5-147824665-C-T. GRCh37 (hg19) VCF-style: chr5-147204228-C-T.
Other names: c.236G>A, p.Cys79Tyr (NM_001354966.2, NM_003122.5); short protein forms C79Y.
Identifiers: ClinVar variation 2562043 (VCV002562043.2), dbSNP rs1756366765, ClinGen allele CA361885061.